The following is an entry in ClinVar:

NM_014363.6(SACS):c.25_27delinsTT (p.Val9fs)

Genes: SACS (sacsin molecular chaperone; minus strand), LOC130009366 (ATAC-STARR-seq lymphoblastoid silent region 5172; plus strand). Cytogenetic location: 13q12.12.
Variant type: Indel.
Coding change: c.25_27delinsTT on transcript NM_014363.6 (MANE Select); coding-DNA positions 25 to 27, GTC replaced by TT.
Protein change: p.Val9fs; shifts the reading frame from valine 9.
Molecular consequence: frameshift variant. On other transcripts: 5 prime UTR variant (1).
Genome position (GRCh38, 1-based): chr13:23,375,263-23,375,265, GAC replaced by AA on the plus strand (GTC replaced by TT on the coding strand, the reverse complement: SACS is on the minus strand). VCF-style: chr13-23375263-GAC-AA. GRCh37 (hg19) VCF-style: chr13-23949402-GAC-AA.
Other names: c.-329_-327delinsTT (NM_001278055.2); short protein forms V9fs.
Identifiers: ClinVar variation 1725411 (VCV001725411.2), dbSNP rs2542505639, ClinGen allele CA2580086813.
Genomic context (GRCh38, chr13:23,375,263, plus strand): 5'-CCAGGACGCCAGCGCCGCGACGGTCCTGCAGCCCACGCAGCCGGGGAGCACGGTCACCGG[GAC>AA]CCACCTGTGGAAAGCAGAGGGACGCTCAGTCGGGCTGCGGCTGCCACCCGCCCGCCCAGC-3'

ClinVar aggregate classification (germline): Likely pathogenic (1 of 4 stars; one submission).

Conditions:
Charlevoix-Saguenay spastic ataxia (SACS). Also called: SPASTIC ATAXIA 6, AUTOSOMAL RECESSIVE; AUTOSOMAL RECESSIVE SPASTIC ATAXIA OF CHARLEVOIX-SAGUENAY; Spastic ataxia of Charlevoix-Saguenay. Identifiers: Orphanet 98, MedGen C1849140, MONDO:0010041, OMIM 270550.

Submission:

Myriad Genetics, Inc.
Classification: Likely pathogenic for Charlevoix-Saguenay spastic ataxia. Last evaluated: 2022-03-20. Review status: criteria provided, single submitter. Criteria: Myriad Women's Health Autosomal Recessive and X-Linked Classification Criteria (2021). Collection method: clinical testing. Allele origin: unknown.
Comment: NM_014363.4(SACS):c.25_27delGTCinsTT(V9Ffs*3) is expected to be pathogenic in the context of autosomal recessive spastic ataxia of Charlevoix-Saguenay. This variant is predicted to lead to an abnormal or absent protein product due to the creation of a premature termination codon in SACS, a gene where loss-of-function variants are known to be pathogenic. Please note: this variant was assessed in the context of healthy population screening.